The following is an entry in ClinVar:

NM_001673.5(ASNS):c.529_530insC (p.Val177fs)

Genes: ASNS (asparagine synthetase (glutamine-hydrolyzing); minus strand), CZ1P-ASNS (CZ1P-ASNS readthrough; minus strand). Cytogenetic location: 7q21.3.
Variant type: Insertion.
Coding change: c.529_530insC on transcript NM_001673.5 (MANE Select); coding-DNA positions 529 to 530, C inserted.
Protein change: p.Val177fs; shifts the reading frame from valine 177.
Molecular consequence: frameshift variant. On other transcripts: non-coding transcript variant (1).
Genome position: GRCh38 VCF-style: chr7-97859356-A-AG. GRCh37 (hg19) VCF-style: chr7-97488668-A-AG.
Other names: c.466_467insC, p.Val156fs (NM_001178075.2); c.280_281insC, p.Val94fs (NM_001178076.2, NM_001178077.1); c.529_530insC, p.Val177fs (NM_001352496.2, NM_133436.3, NM_183356.4); short protein forms V156fs, V177fs, V94fs.
Identifiers: ClinVar variation 5011417 (VCV005011417.1).

ClinVar aggregate classification (germline): Pathogenic (1 of 4 stars; one submission).

Conditions:
Congenital microcephaly - severe encephalopathy - progressive cerebral atrophy syndrome. Also called: ASNS DEFICIENCY; Asparagine synthetase deficiency. Identifiers: Orphanet 391376, MedGen C3809971, MONDO:0014258, OMIM 615574.

Submission:

Myriad Genetics, Inc.
Classification: Pathogenic for Congenital microcephaly - severe encephalopathy - progressive cerebral atrophy syndrome. Last evaluated: 2023-08-21. Review status: criteria provided, single submitter. Criteria: Myriad Autosomal Dominant, Autosomal Recessive and X-Linked Classification Criteria (2023). Collection method: clinical testing. Allele origin: unknown.
Comment: NM_001673.4(ASNS):c.529_530insC(V177Afs*10) is expected to be pathogenic in the context of asparagine synthetase deficiency. This variant is predicted to lead to an abnormal or absent protein product due to the creation of a premature termination codon in ASNS, a gene where loss-of-function variants are known to be pathogenic. Please note: this variant was assessed in the context of healthy population screening.